The following is an entry in ClinVar:

NM_001330260.2(SCN8A):c.5624C>T (p.Ala1875Val)

Gene: SCN8A (sodium voltage-gated channel alpha subunit 8; plus strand). Cytogenetic location: 12q13.13.
Variant type: single nucleotide variant.
Coding change: c.5624C>T on transcript NM_001330260.2 (MANE Select); coding-DNA position 5624, C replaced by T.
Protein change: p.Ala1875Val; replaces alanine 1875 with valine.
Molecular consequence: missense variant.
Genome position (GRCh38, 1-based): chr12:51,807,110, C>T. VCF-style: chr12-51807110-C-T. GRCh37 (hg19) VCF-style: chr12-52200894-C-T.
Other names: c.5624C>T (NM_014191.3); c.5501C>T, p.Ala1834Val (NM_001177984.3, NM_001369788.1); c.5624C>T, p.Ala1875Val (NM_014191.4); short protein forms A1834V, A1875V.
Identifiers: ClinVar variation 2173678 (VCV002173678.6), dbSNP rs376389439, ClinGen allele CA236327758.

ClinVar aggregate classification (germline): Uncertain significance. Review status: criteria provided, multiple submitters, no conflicts (2 of 4 stars). 2 submissions from 2 submitters: Uncertain significance (2). Last evaluated 2026-01-30.

Conditions:
Early-infantile DEE. Also called: Early infantile epileptic encephalopathy; Ohtahara syndrome; Early infantile epileptic encephalopathy with suppression bursts. Identifiers: Orphanet 1934, MedGen C0393706, MONDO:0800491.

Allele frequency attached by ClinVar (database versions not stated): TOPMed below 0.00001; gnomAD 0.00001; ESP Exome Variant Server 0.00008.
gnomAD v4.1: 1 of 1,613,814 alleles (0.000062%); highest among the groups gnomAD compares: African/African-American, 0.0013%; no homozygotes.

Submissions (2):

GeneDx
Classification: Uncertain significance. Last evaluated: 2026-01-30. Review status: criteria provided, single submitter. Criteria: GeneDx Variant Classification Process June 2021. Collection method: clinical testing. Allele origin: germline.
Comment: Not observed at significant frequency in large population cohorts (gnomAD); In silico analysis supports that this missense variant has a deleterious effect on protein structure/function; This substitution is predicted to be within the C-terminal cytoplasmic domain; Has not been previously published as pathogenic or benign to our knowledge

Labcorp Genetics (formerly Invitae), Labcorp
Classification: Uncertain significance for Early-infantile DEE. Last evaluated: 2022-04-23. Review status: criteria provided, single submitter. Criteria: Invitae Variant Classification Sherloc (09022015). Collection method: clinical testing. Allele origin: germline.
Comment: In summary, the available evidence is currently insufficient to determine the role of this variant in disease. Therefore, it has been classified as a Variant of Uncertain Significance. Algorithms developed to predict the effect of missense changes on protein structure and function are either unavailable or do not agree on the potential impact of this missense change (SIFT: "Deleterious"; PolyPhen-2: "Possibly Damaging"; Align-GVGD: "Class C0"). This missense change has been observed in individual(s) with clinical features of SCN8A-related conditions (Invitae). This variant is not present in population databases (gnomAD no frequency). This sequence change replaces alanine, which is neutral and non-polar, with valine, which is neutral and non-polar, at codon 1875 of the SCN8A protein (p.Ala1875Val).